The following is an entry in ClinVar:

NM_003737.4(DCHS1):c.5678A>G (p.Tyr1893Cys)

Gene: DCHS1 (dachsous cadherin-related 1; minus strand). Cytogenetic location: 11p15.4.
Variant type: single nucleotide variant.
Coding change: c.5678A>G on transcript NM_003737.4 (MANE Select); coding-DNA position 5678, A replaced by G.
Protein change: p.Tyr1893Cys; replaces tyrosine 1893 with cysteine.
Molecular consequence: missense variant.
Genome position (GRCh38, 1-based): chr11:6,627,361, T>C on the plus strand (A>G on the coding strand, the complement: DCHS1 is on the minus strand). VCF-style: chr11-6627361-T-C. GRCh37 (hg19) VCF-style: chr11-6648592-T-C.
Other names: short protein forms Y1893C.
Identifiers: ClinVar variation 1941554 (VCV001941554.5), dbSNP rs2493819229, ClinGen allele CA379393436.
Genomic context (GRCh38, chr11:6,627,361, plus strand): 5'-GTGCGCAGTTCTCCAGAGCTGGGCTCCAGCAGGAAGGCTCCTGCTGTACCGGCGCCCAGG[T>C]AGTAGGTCACATGGCCATTAGCTCCAGCATCAGGGTCATGAGCCTGTAGCTGCAGCAGCA-3'
Protein context (NP_003728.1, residues 1883-1903): DAGANGHVTY[Tyr1893Cys]LGAGTAGAFL

ClinVar aggregate classification (germline): Uncertain significance (1 of 4 stars; one submission).

Allele frequency attached by ClinVar (database versions not stated): gnomAD exomes below 0.00001.
gnomAD v4.1: 1 of 1,607,506 alleles (0.000062%); highest among the groups gnomAD compares: Non-Finnish European, 0.000085%; no homozygotes.

Submission:

Labcorp Genetics (formerly Invitae), Labcorp
Classification: Uncertain significance. Last evaluated: 2025-03-03. Review status: criteria provided, single submitter. Criteria: Invitae Variant Classification Sherloc (09022015). Collection method: clinical testing. Allele origin: germline.
Comment: This sequence change replaces tyrosine, which is neutral and polar, with cysteine, which is neutral and slightly polar, at codon 1893 of the DCHS1 protein (p.Tyr1893Cys). This variant is not present in population databases (gnomAD no frequency). This variant has not been reported in the literature in individuals affected with DCHS1-related conditions. ClinVar contains an entry for this variant (Variation ID: 1941554). Invitae Evidence Modeling of protein sequence and biophysical properties (such as structural, functional, and spatial information, amino acid conservation, physicochemical variation, residue mobility, and thermodynamic stability) has been performed for this missense variant. However, the output from this modeling did not meet the statistical confidence thresholds required to predict the impact of this variant on DCHS1 protein function. In summary, the available evidence is currently insufficient to determine the role of this variant in disease. Therefore, it has been classified as a Variant of Uncertain Significance.